The following is an entry in ClinVar:

ClinVar aggregate classification (germline): Likely pathogenic (1 of 4 stars; one submission).

Conditions:
Facial dysmorphism-lens dislocation-anterior segment abnormalities-spontaneous filtering blebs syndrome. Also called: Facial dysmorphism, lens dislocation, anterior segment abnormalities, and spontaneous filtering blebs; TRABOULSI SYNDROME. Identifiers: Orphanet 412022, MedGen C1832167, MONDO:0011106, OMIM 601552.

gnomAD v4.1: 1 of 1,612,416 alleles (0.000062%); highest among the groups gnomAD compares: Non-Finnish European, 0.000085%; no homozygotes.

Submission:

First Genomix Gene Laboratory, Genetic Diagnostics Department
Classification: Likely pathogenic for Facial dysmorphism-lens dislocation-anterior segment abnormalities-spontaneous filtering blebs syndrome. Last evaluated: 2025-04-30. Review status: criteria provided, single submitter. Criteria: ACMG Guidelines, 2015. Collection method: clinical testing. Allele origin: germline. Inheritance: Autosomal recessive inheritance. Affected: no. Observed: 1 variant allele.

NM_004318.4(ASPH):c.1764+1G>C

Gene: ASPH (aspartate beta-hydroxylase; minus strand). Cytogenetic location: 8q12.3.
Variant type: single nucleotide variant.
Coding change: c.1764+1G>C on transcript NM_004318.4 (MANE Select); the canonical splice donor site of the intron after coding-DNA position 1764, G replaced by C.
Molecular consequence: splice donor variant.
Genome position (GRCh38, 1-based): chr8:61,548,070, C>G on the plus strand (G>C on the coding strand, the complement: ASPH is on the minus strand). VCF-style: chr8-61548070-C-G. GRCh37 (hg19) VCF-style: chr8-62460629-C-G.
Other names: c.1110+1G>C (NM_001413901.1); c.1152+1G>C (NM_001413909.1); c.1458+1G>C (NM_001413895.1); c.1503+1G>C (NM_001413894.1); c.1557+1G>C (NM_001413884.1); c.1515+1G>C (NM_001413890.1); c.1560+1G>C (NM_001413883.1); c.1689+1G>C (NM_001413862.1); and 33 more.
Identifiers: ClinVar variation 4845927 (VCV004845927.1).
Genomic context (GRCh38, chr8:61,548,070, plus strand): 5'-TCTGATTTTGAGGAGGAAATAGACAAAGATCTGGTGAGGATGATGTCTAAGTTATACTTA[C>G]CTTTACTAACTCTGTGTAGCCCGTTTCTTTTGGGGTCCACCAAGGCTGTGCTTTCAGTCC-3'